The following is an entry in ClinVar:

NM_001267550.2(TTN):c.39973+1G>A

Gene: TTN (titin; minus strand). Cytogenetic location: 2q31.2.
Variant type: single nucleotide variant.
Coding change: c.39973+1G>A on transcript NM_001267550.2 (MANE Select); the canonical splice donor site of the intron after coding-DNA position 39973, G replaced by A.
Molecular consequence: splice donor variant. On other transcripts: intron variant (5).
Genome position (GRCh38, 1-based): chr2:178,649,553, C>T on the plus strand (G>A on the coding strand, the complement: TTN is on the minus strand). VCF-style: chr2-178649553-C-T. GRCh37 (hg19) VCF-style: chr2-179514280-C-T.
Other names: c.13283-7236G>A (NM_003319.4); c.13859-7236G>A (NM_133437.4); c.13658-7236G>A (NM_133432.3); c.32593+264G>A (NM_133378.4); c.35374+264G>A (NM_001256850.1).
Identifiers: ClinVar variation 3749136 (VCV003749136.2).
Genomic context (GRCh38, chr2:178,649,553, plus strand): 5'-GATTCCACTTTAAGATATCAGAATACTTTCTTTTTTATGATGCCAACGATGAAGTGAATA[C>T]CTTTAGCTGCTGGTGTTTCTGGCTTCTTAACAGTTGGGACCTTCTTCACTGGAACAACTT-3'

ClinVar aggregate classification (germline): Likely pathogenic (1 of 4 stars; one submission).

Conditions:
Dilated cardiomyopathy 1G (CMD1G). Identifiers: Orphanet 154, MedGen C1858763, MONDO:0011400, OMIM 604145.
Autosomal recessive limb-girdle muscular dystrophy type 2J (LGMDR10). Also called: Limb-girdle muscular dystrophy, type 2J; MUSCULAR DYSTROPHY, LIMB-GIRDLE, AUTOSOMAL RECESSIVE 10. Identifiers: Orphanet 140922, MedGen C1837342, MONDO:0012127, OMIM 608807.

Submission:

Labcorp Genetics (formerly Invitae), Labcorp
Classification: Likely pathogenic for Dilated cardiomyopathy 1G; Autosomal recessive limb-girdle muscular dystrophy type 2J. Last evaluated: 2025-01-21. Review status: criteria provided, single submitter. Criteria: Invitae Variant Classification Sherloc (09022015). Collection method: clinical testing. Allele origin: germline.
Comment: This sequence change affects a donor splice site in intron 212 of the TTN gene. It is expected to disrupt RNA splicing and likely results in a truncated or disrupted TTN protein. This variant is not present in population databases (gnomAD no frequency). This variant has not been reported in the literature in individuals affected with TTN-related conditions. Algorithms developed to predict the effect of sequence changes on RNA splicing suggest that this variant may disrupt the consensus splice site. This variant is located in the I band of TTN (PMID: 25589632). Truncating variants in this region have been reported in individuals affected with autosomal recessive centronuclear myopathy (PMID: 23975875, internal data). Truncating variants in this region have also been identified in individuals affected with autosomal dominant dilated cardiomyopathy and/or cardio-related conditions (PMID: 27869827, 32964742, internal data). In summary, the currently available evidence indicates that the variant is pathogenic, but additional data are needed to prove that conclusively. Therefore, this variant has been classified as Likely Pathogenic.

Literature cited by the submitters: PubMed 25589632; PubMed 23975875; PubMed 27869827; PubMed 32964742.